The following is an entry in ClinVar:

NM_000179.3(MSH6):c.725G>T (p.Ser242Ile)

Gene: MSH6 (mutS homolog 6; plus strand). Cytogenetic location: 2p16.3.
Variant type: single nucleotide variant.
Coding change: c.725G>T on transcript NM_000179.3 (MANE Select); coding-DNA position 725, G replaced by T.
Protein change: p.Ser242Ile; replaces serine 242 with isoleucine.
Molecular consequence: missense variant. On other transcripts: 5 prime UTR variant (2).
Genome position (GRCh38, 1-based): chr2:47,798,708, G>T. VCF-style: chr2-47798708-G-T. GRCh37 (hg19) VCF-style: chr2-48025847-G-T.
Other names: c.335G>T, p.Ser112Ile (NM_001281492.2); c.-182G>T (NM_001281493.2, NM_001281494.2, NM_001406811.1 and 6 more transcripts); c.821G>T, p.Ser274Ile (NM_001406795.1, NM_001406802.1); c.725G>T, p.Ser242Ile (NM_001406796.1, NM_001406798.1, NM_001406800.1 and 4 more transcripts); c.428G>T, p.Ser143Ile (NM_001406797.1, NM_001406801.1, NM_001406805.1 and 10 more transcripts); c.200G>T, p.Ser67Ile (NM_001406799.1, NM_001406806.1, NM_001406807.1); c.647G>T, p.Ser216Ile (NM_001406804.1); c.731G>T, p.Ser244Ile (NM_001406813.1); and 1 more; short protein forms S216I, S112I, S143I, S274I, S186I, S242I, S244I, S67I.
Identifiers: ClinVar variation 1757960 (VCV001757960.5), dbSNP rs1060502925, ClinGen allele CA346740018.

ClinVar aggregate classification (germline): Uncertain significance. Review status: criteria provided, multiple submitters, no conflicts (2 of 4 stars). 2 submissions from 2 submitters: Uncertain significance (2). Last evaluated 2023-05-27.

Conditions:
Hereditary nonpolyposis colorectal neoplasms. Identifiers: MedGen C0009405, MeSH D003123.
Hereditary cancer-predisposing syndrome. Also called: Neoplastic Syndromes, Hereditary; Tumor predisposition; Hereditary Cancer Syndrome; Hereditary neoplastic syndrome. Identifiers: Orphanet 140162, MedGen C0027672, MeSH D009386, MONDO:0015356.

Submissions (2):

Labcorp Genetics (formerly Invitae), Labcorp
Classification: Uncertain significance for Hereditary nonpolyposis colorectal neoplasms. Last evaluated: 2023-05-27. Review status: criteria provided, single submitter. Criteria: Invitae Variant Classification Sherloc (09022015). Collection method: clinical testing. Allele origin: germline.
Comment: This sequence change replaces serine, which is neutral and polar, with isoleucine, which is neutral and non-polar, at codon 242 of the MSH6 protein (p.Ser242Ile). ClinVar contains an entry for this variant (Variation ID: 1757960). This variant has not been reported in the literature in individuals affected with MSH6-related conditions. This variant is not present in population databases (gnomAD no frequency). Advanced modeling of protein sequence and biophysical properties (such as structural, functional, and spatial information, amino acid conservation, physicochemical variation, residue mobility, and thermodynamic stability) performed at Invitae indicates that this missense variant is not expected to disrupt MSH6 protein function. In summary, the available evidence is currently insufficient to determine the role of this variant in disease. Therefore, it has been classified as a Variant of Uncertain Significance.

Ambry Genetics
Classification: Uncertain significance for Hereditary cancer-predisposing syndrome. Last evaluated: 2022-04-25. Review status: criteria provided, single submitter. Criteria: Ambry Variant Classification Scheme 2023. Collection method: clinical testing. Allele origin: germline.
Comment: The p.S242I variant (also known as c.725G>T), located in coding exon 4 of the MSH6 gene, results from a G to T substitution at nucleotide position 725. The serine at codon 242 is replaced by isoleucine, an amino acid with dissimilar properties. This amino acid position is not well conserved in available vertebrate species. In addition, the in silico prediction for this alteration is inconclusive. Since supporting evidence is limited at this time, the clinical significance of this alteration remains unclear.